The following is an entry in ClinVar:

ClinVar aggregate classification (germline): Pathogenic/Likely pathogenic. Review status: criteria provided, multiple submitters, no conflicts (2 of 4 stars). 2 submissions from 2 submitters: Pathogenic (1); Likely pathogenic (1). Last evaluated 2026-01-22.

Conditions:
Spinal muscular atrophy (SMA). Identifiers: MedGen C0026847, MeSH D009134, MONDO:0001516, HP:0007269.
Neuronopathy, distal hereditary motor, autosomal recessive 10 (HMNR10). Also called: VRK1-RELATED MOTOR NEURON DISEASE; NEUROPATHY, DISTAL HEREDITARY MOTOR, AUTOSOMAL RECESSIVE 10. Identifiers: MedGen C5882703, MONDO:0957876, OMIM 620542.

Submissions (2):

3billion
Classification: Likely pathogenic for Neuronopathy, distal hereditary motor, autosomal recessive 10. Last evaluated: 2026-01-22. Review status: criteria provided, single submitter. Criteria: ACMG Guidelines, 2015. Collection method: clinical testing. Allele origin: germline. Affected: yes.
Comment: The variant is not observed in the gnomAD v4.1.0 dataset. Predicted Consequence/Location: Frameshift: predicted to result in a loss or disruption of normal protein function through protein truncation. The predicted truncated protein may be shortened by less than 10%. The variant has been reported to be in trans with a pathogenic variant as either compound heterozygous or homozygous in at least one similarly affected unrelated individual (PMID: 32579787). The variant has been reported to be associated with VRK1-related disorder (ClinVar ID: VCV000873318 /PMID: 32579787). Therefore, this variant is classified as Likely pathogenic according to the recommendation of ACMG/AMP guideline.

Suna and Inan Kirac Foundation Neurodegeneration Research Laboratory, Koc University
Classification: Pathogenic for Spinal muscular atrophy. Last evaluated: 2020-03-31. Review status: criteria provided, single submitter. Criteria: ACMG Guidelines, 2015. Collection method: research. Allele origin: germline. Affected: yes. Observed: 2 variant alleles.

Literature cited by the submitters: PubMed 32579787 (cited by 3billion).

NM_003384.3(VRK1):c.1135_1136del (p.Gln379fs)

Gene: VRK1 (VRK serine/threonine kinase 1; plus strand). Cytogenetic location: 14q32.2.
Variant type: Microsatellite.
Coding change: c.1135_1136del on transcript NM_003384.3 (MANE Select); coding-DNA positions 1135 to 1136, 2 bases deleted (CA; older notation c.1135_1136delCA).
Protein change: p.Gln379fs; shifts the reading frame from glutamine 379.
Molecular consequence: frameshift variant.
Genome position (GRCh38, 1-based): chr14:96,876,096-96,876,097, CA deleted; deleting any 2 consecutive bases within chr14:96,876,091-96,876,097 gives the same sequence; the c. name uses the placement nearest the transcript's 3' end. VCF-style (leftmost placement, unchanged base first): chr14-96876090-AAC-A. GRCh37 (hg19) VCF-style: chr14-97342427-AAC-A.
Other names: c.1135_1136delCA (NM_003384.3); short protein forms Q379fs.
Identifiers: ClinVar variation 873318 (VCV000873318.2), dbSNP rs1889019962, ClinGen allele CA1139663723.